The following is an entry in ClinVar:

ClinVar aggregate classification (germline): Uncertain significance (1 of 4 stars; one submission).

Allele frequency attached by ClinVar (database versions not stated): gnomAD exomes below 0.00001; TOPMed below 0.00001; gnomAD 0.00001.

Submission:

Labcorp Genetics (formerly Invitae), Labcorp
Classification: Uncertain significance. Last evaluated: 2021-11-19. Review status: criteria provided, single submitter. Criteria: Invitae Variant Classification Sherloc (09022015). Collection method: clinical testing. Allele origin: germline.
Comment: In summary, the available evidence is currently insufficient to determine the role of this variant in disease. Therefore, it has been classified as a Variant of Uncertain Significance. Algorithms developed to predict the effect of missense changes on protein structure and function are either unavailable or do not agree on the potential impact of this missense change (SIFT: "Deleterious"; PolyPhen-2: "Benign"; Align-GVGD: "Class C0"). This variant has not been reported in the literature in individuals affected with MYO5B-related conditions. This variant is not present in population databases (gnomAD no frequency). This sequence change replaces methionine, which is neutral and non-polar, with valine, which is neutral and non-polar, at codon 1621 of the MYO5B protein (p.Met1621Val).

NM_001080467.3(MYO5B):c.4861A>G (p.Met1621Val)

Genes: MYO5B (myosin VB; minus strand), SNHG22 (small nucleolar RNA host gene 22; plus strand). Cytogenetic location: 18q21.1.
Variant type: single nucleotide variant.
Coding change: c.4861A>G on transcript NM_001080467.3 (MANE Select); coding-DNA position 4861, A replaced by G.
Protein change: p.Met1621Val; replaces methionine 1621 with valine.
Molecular consequence: missense variant.
Genome position (GRCh38, 1-based): chr18:49,837,794, T>C on the plus strand (A>G on the coding strand, the complement: MYO5B is on the minus strand). VCF-style: chr18-49837794-T-C. GRCh37 (hg19) VCF-style: chr18-47364164-T-C.
Other names: short protein forms M1621V.
Identifiers: ClinVar variation 1352511 (VCV001352511.6), dbSNP rs1351872843, ClinGen allele CA402422569.
Genomic context (GRCh38, chr18:49,837,794, plus strand): 5'-GCTTCCGGTAGCCGGTGGGCTTCACACCAGATAGACCCTGAATGCTCTCATTTTCCAACA[T>C]GGCAGAAACTGAAATAAAAGCACAGTTAGAGAAGCTTGCATTCCCCACTAACAATGCAAA-3'
Protein context (NP_001073936.1, residues 1611-1631): GVLQPMIVSA[Met1621Val]LENESIQGLS